The following is an entry in ClinVar:

ClinVar aggregate classification (germline): Uncertain significance (0 of 4 stars; one submission).

Conditions:
X-linked Alport syndrome (ATS1). Also called: COL4A5-Related Nephropathy; NEPHROPATHY AND DEAFNESS, X-LINKED. Identifiers: Orphanet 63, Orphanet 88917, MedGen C4746986, MONDO:0010520, OMIM 301050.

Submission:

General Medicine, Assam Medical College and Hospital
Classification: Uncertain significance for X-linked Alport syndrome. Last evaluated: 2023-10-31. Review status: no assertion criteria provided. Collection method: clinical testing. Allele origin: germline. Inheritance: X-linked dominant inheritance. Affected: yes and no. Observed: 2 hemizygotes. Clinical features observed: Stage 5 chronic kidney disease (HP:0003774).
Comment: A hemizygous missense variant in exon 25 of the COL4A5 gene (chrX:g.108598784G>T; Depth: 150x) that results in the amino acid substitution of Valine for Glycine at codon 621 (p.Gly621Val; ENST00000328300.11) was detected (Table). The observed variant has previously been reported in patients affected with Alport syndrome-1 [PMID: 24033287] and lies in the collagen triple helix repeat (20 copies) domain of the COL4A5 protein [Pfam: PF01391]. The p.Gly621Val variant has not been reported in the 1000 genomes, gnomAD (v3.1), gnomdAD (v2), topmed and internal databases of Medgenome. The in silico predictions of the variant are probably damaging by PolyPhen-2 (HumDiv) and damaging by SIFT, LRT and MutationTaster2. The reference codon is conserved across species. OMIM phenotype: Alport syndrome-1 (OMIM#301050) is caused by mutations in the COL4A5 gene (OMIM*303630). Alport syndrome is an inherited disorder of the basement membrane, resulting in progressive renal failure due to glomerulonephropathy, variable sensorineural hearing loss, and variable ocular anomalies [PMID: 18842627]. COL4A5 variation is classified as a variant of uncertain significance .

NM_033380.3(COL4A5):c.1862G>T (p.Gly621Val)

Gene: COL4A5 (collagen type IV alpha 5 chain; plus strand). Cytogenetic location: Xq22.3.
Variant type: single nucleotide variant.
Coding change: c.1862G>T on transcript NM_033380.3 (MANE Select); coding-DNA position 1862, G replaced by T.
Protein change: p.Gly621Val; replaces glycine 621 with valine.
Molecular consequence: missense variant.
Genome position (GRCh38, 1-based): chrX:108,598,784, G>T. VCF-style: chrX-108598784-G-T. GRCh37 (hg19) VCF-style: chrX-107842014-G-T.
Other names: c.1862G>T, p.Gly621Val (NM_000495.5); short protein forms G621V.
Identifiers: ClinVar variation 3062339 (VCV003062339.2), dbSNP rs1569494322.
Genomic context (GRCh38, chrX:108,598,784, plus strand): 5'-AAAGAGGTCCCCCTGGGAACCCAGGTTTACCAGGCCTCCCAGGGAATATAGGGCCTATGG[G>T]TCCCCCTGGTTTCGGCCCTCCAGGCCCAGTAGGTGAAAAAGGCATACAAGGTGTGGCAGG-3'
Protein context (NP_203699.1, residues 611-631): PGLPGNIGPM[Gly621Val]PPGFGPPGPV